The following is an entry in ClinVar:

NM_003924.4(PHOX2B):c.679G>T (p.Ala227Ser)

Gene: PHOX2B (paired like homeobox 2B; minus strand). Cytogenetic location: 4p13.
Variant type: single nucleotide variant.
Coding change: c.679G>T on transcript NM_003924.4 (MANE Select); coding-DNA position 679, G replaced by T.
Protein change: p.Ala227Ser; replaces alanine 227 with serine.
Molecular consequence: missense variant.
Genome position (GRCh38, 1-based): chr4:41,746,073, C>A on the plus strand (G>T on the coding strand, the complement: PHOX2B is on the minus strand). VCF-style: chr4-41746073-C-A. GRCh37 (hg19) VCF-style: chr4-41748090-C-A.
Other names: short protein forms A227S.
Identifiers: ClinVar variation 956003 (VCV000956003.11), dbSNP rs778799670, ClinGen allele CA2901456.

ClinVar aggregate classification (germline): Uncertain significance. Review status: criteria provided, multiple submitters, no conflicts (2 of 4 stars). 2 submissions from 2 submitters: Uncertain significance (2). Last evaluated 2024-05-20.

Conditions:
Hereditary cancer-predisposing syndrome. Also called: Hereditary neoplastic syndrome; Tumor predisposition; Neoplastic Syndromes, Hereditary; Hereditary Cancer Syndrome. Identifiers: Orphanet 140162, MedGen C0027672, MeSH D009386, MONDO:0015356.
Haddad syndrome (OHD). Also called: Ondine-Hirschsprung disease. Identifiers: Orphanet 99803, MedGen C1859049, MONDO:0020493.

Allele frequency attached by ClinVar (database versions not stated): gnomAD exomes below 0.00001 and 0.00002; TOPMed 0.00002; ExAC 0.00006.
gnomAD v4.1: 8 of 1,441,228 alleles (0.00056%); highest among the groups gnomAD compares: Middle Eastern, 0.05%; no homozygotes.

Submissions (2):

Ambry Genetics
Classification: Uncertain significance for Hereditary cancer-predisposing syndrome. Last evaluated: 2024-05-20. Review status: criteria provided, single submitter. Criteria: Ambry Variant Classification Scheme 2023. Collection method: clinical testing. Allele origin: germline.
Comment: The p.A227S variant (also known as c.679G>T), located in coding exon 3 of the PHOX2B gene, results from a G to T substitution at nucleotide position 679. The alanine at codon 227 is replaced by serine, an amino acid with similar properties. This amino acid position is conserved. In addition, this alteration is predicted to be tolerated by in silico analysis. Since supporting evidence is limited at this time, the clinical significance of this alteration remains unclear.

Labcorp Genetics (formerly Invitae), Labcorp
Classification: Uncertain significance for Haddad syndrome. Last evaluated: 2021-09-20. Review status: criteria provided, single submitter. Criteria: Invitae Variant Classification Sherloc (09022015). Collection method: clinical testing. Allele origin: germline.
Comment: This sequence change replaces alanine with serine at codon 227 of the PHOX2B protein (p.Ala227Ser). The alanine residue is moderately conserved and there is a moderate physicochemical difference between alanine and serine. This variant is present in population databases (rs778799670, ExAC 0.01%). This variant has not been reported in the literature in individuals affected with PHOX2B-related conditions. In summary, the available evidence is currently insufficient to determine the role of this variant in disease. Therefore, it has been classified as a Variant of Uncertain Significance.